The following is an entry in ClinVar:

NM_000340.2(SLC2A2):c.220A>G (p.Met74Val)

Gene: SLC2A2 (solute carrier family 2 member 2; minus strand). Cytogenetic location: 3q26.2.
Variant type: single nucleotide variant.
Coding change: c.220A>G on transcript NM_000340.2 (MANE Select); coding-DNA position 220, A replaced by G.
Protein change: p.Met74Val; replaces methionine 74 with valine.
Molecular consequence: missense variant. On other transcripts: 5 prime UTR variant (1), intron variant (1).
Genome position (GRCh38, 1-based): chr3:171,014,620, T>C on the plus strand (A>G on the coding strand, the complement: SLC2A2 is on the minus strand). VCF-style: chr3-171014620-T-C. GRCh37 (hg19) VCF-style: chr3-170732409-T-C.
Other names: c.-175A>G (NM_001278659.2); c.14+3911A>G (NM_001278658.2); short protein forms M74V.
Identifiers: ClinVar variation 2182721 (VCV002182721.3), dbSNP rs750405382, ClinGen allele CA2702738.

ClinVar aggregate classification (germline): Uncertain significance (1 of 4 stars; one submission).

Conditions:
Fanconi-Bickel syndrome (FBS). Also called: PSEUDO-PHLORIZIN DIABETES; FANCONI SYNDROME WITH INTESTINAL MALABSORPTION AND GALACTOSE INTOLERANCE; HEPATIC GLYCOGENOSIS WITH AMINO ACIDURIA AND GLUCOSURIA; HEPATIC GLYCOGENOSIS WITH FANCONI NEPHROPATHY; HEPATORENAL GLYCOGENOSIS WITH RENAL FANCONI SYNDROME; Glycogen storage disease due to GLUT2 deficiency. Identifiers: Orphanet 2088, MedGen C3495427, MONDO:0009216, OMIM 227810.

Allele frequency attached by ClinVar (database versions not stated): gnomAD exomes 0.00001; ExAC 0.00002.

Submission:

Labcorp Genetics (formerly Invitae), Labcorp
Classification: Uncertain significance for Fanconi-Bickel syndrome. Last evaluated: 2024-11-11. Review status: criteria provided, single submitter. Criteria: Invitae Variant Classification Sherloc (09022015). Collection method: clinical testing. Allele origin: germline.
Comment: This sequence change replaces methionine, which is neutral and non-polar, with valine, which is neutral and non-polar, at codon 74 of the SLC2A2 protein (p.Met74Val). This variant is present in population databases (rs750405382, gnomAD 0.006%). This variant has not been reported in the literature in individuals affected with SLC2A2-related conditions. ClinVar contains an entry for this variant (Variation ID: 2182721). Invitae Evidence Modeling of protein sequence and biophysical properties (such as structural, functional, and spatial information, amino acid conservation, physicochemical variation, residue mobility, and thermodynamic stability) indicates that this missense variant is not expected to disrupt SLC2A2 protein function with a negative predictive value of 95%. In summary, the available evidence is currently insufficient to determine the role of this variant in disease. Therefore, it has been classified as a Variant of Uncertain Significance.